The following is an entry in ClinVar:

NM_001386795.1(DTNA):c.448+72T>C

Gene: DTNA (dystrobrevin alpha; plus strand). Cytogenetic location: 18q12.1.
Variant type: single nucleotide variant.
Coding change: c.448+72T>C on transcript NM_001386795.1 (MANE Select); 72 bases into the intron after coding-DNA position 448, T replaced by C.
Molecular consequence: intron variant.
Genome position (GRCh38, 1-based): chr18:34,806,376, T>C. VCF-style: chr18-34806376-T-C. GRCh37 (hg19) VCF-style: chr18-32386340-T-C.
Other names: c.448+72T>C (NM_032975.4, NM_001386761.1, NM_001386762.1 and 35 more transcripts).
Identifiers: ClinVar variation 672616 (VCV000672616.2), dbSNP rs9952711, ClinGen allele CA16554723.

ClinVar aggregate classification (germline): Benign. Review status: criteria provided, multiple submitters, no conflicts (2 of 4 stars). 2 submissions from 2 submitters: Benign (2). Last evaluated 2018-06-16.

Allele frequency attached by ClinVar (database versions not stated): gnomAD exomes 0.11479; 1000 Genomes Project 0.15236; 1000 Genomes Project 30x 0.16177; gnomAD 0.17465 and 0.18162; TOPMed 0.17697.
gnomAD v4.1: 151,016 of 1,237,902 alleles (12%); highest among the groups gnomAD compares: African/African-American, 35%; 11,639 homozygotes.

Submissions (2):

GeneDx
Classification: Benign. Last evaluated: 2018-06-16. Review status: criteria provided, single submitter. Criteria: GeneDx Variant Classification (06012015). Collection method: clinical testing. Allele origin: germline. Affected: yes.
Comment: This variant is considered likely benign or benign based on one or more of the following criteria: it is a conservative change, it occurs at a poorly conserved position in the protein, it is predicted to be benign by multiple in silico algorithms, and/or has population frequency not consistent with disease.

Breakthrough Genomics
Classification: Benign. Review status: criteria provided, single submitter. Criteria: ACMG Guidelines, 2015. Collection method: not provided. Allele origin: germline. Inheritance: Autosomal dominant inheritance. Affected: yes.